The following is an entry in ClinVar:

NM_000216.4(ANOS1):c.1A>T (p.Met1Leu)

Gene: ANOS1 (anosmin 1; minus strand). Cytogenetic location: Xp22.31.
Variant type: single nucleotide variant.
Coding change: c.1A>T on transcript NM_000216.4 (MANE Select); coding-DNA position 1, A replaced by T.
Protein change: p.Met1Leu; changes the start codon (methionine 1).
Molecular consequence: missense variant, initiator codon variant.
Genome position (GRCh38, 1-based): chrX:8,732,036, T>A on the plus strand (A>T on the coding strand, the complement: ANOS1 is on the minus strand). VCF-style: chrX-8732036-T-A. GRCh37 (hg19) VCF-style: chrX-8700077-T-A.
Other names: short protein forms M1L.
Identifiers: ClinVar variation 463527 (VCV000463527.10), dbSNP rs606231409, ClinGen allele CA412024741.

ClinVar aggregate classification (germline): Pathogenic (1 of 4 stars; one submission).

Conditions:
Hypogonadotropic hypogonadism 1 with or without anosmia (HH1). Also called: HYPOGONADOTROPIC HYPOGONADISM AND ANOSMIA; HYPOGONADOTROPIC HYPOGONADISM 1 WITH ANOSMIA; Kallmann syndrome, type 1, X-linked; DYSPLASIA OLFACTOGENITALIS OF DE MORSIER; KAL1-Related GnRH Deficiency (Kallmann Syndrome 1; Kallmann Syndrome, X-Linked); Hypogonadotropic hypogonadism 1 with or without anosmia (Kallmann syndrome 1). Identifiers: Orphanet 478, MedGen C1563719, MONDO:0010635, OMIM 308700. Disease mechanism: loss of function.

Submission:

Labcorp Genetics (formerly Invitae), Labcorp
Classification: Pathogenic for Hypogonadotropic hypogonadism 1 with or without anosmia. Last evaluated: 2018-10-02. Review status: criteria provided, single submitter. Criteria: Invitae Variant Classification Sherloc (09022015). Collection method: clinical testing. Allele origin: germline.
Comment: This sequence change affects the initiator methionine of the ANOS1 mRNA. While this variant is not present in population databases, the frequency information is unreliable, as metrics indicate poor data quality at this position in the ExAC database. This variant has been observed in individuals with clinical features consistent with ANOS1-related disease (Invitae). However, the variant has not been reported in the literature. Although this variant is expected to disrupt protein translation of the ANOS1 mRNA, experimental studies have not been reported for this variant. It is currently unknown how this variant will affect protein function. Two other initiator methionine variants (c.1A>G and c.3G>A) have been reported in multiple individuals with idiopathic hypogonadotropic hypogonadism and anosmia from two different families (PMID: 15605412, 26708526), indicating that disruption of the initiator codon for ANOS1 is pathogenic. For these reasons, this variant has been classified as Pathogenic.

Literature cited by the submitters: PubMed 15605412; PubMed 26708526.